The following is an entry in ClinVar:

ClinVar aggregate classification (germline): Conflicting classifications of pathogenicity. Review status: criteria provided, conflicting classifications (1 of 4 stars). 3 submissions from 3 submitters: Uncertain significance (2); Likely benign (1). Last evaluated 2025-11-25.

Conditions:
Idiopathic generalized epilepsy. Also called: EIG; Generalised epilepsy. Identifiers: MedGen C0270850, MONDO:0005579, OMIM 600669.
Hyperaldosteronism, familial, type IV (HALD4). Also called: FH IV; ALDOSTERONISM, PRIMARY, AND HYPERTENSION. Identifiers: Orphanet 642671, MedGen C4310756, MONDO:0014875, OMIM 617027.
Inborn genetic diseases. Identifiers: MedGen C0950123, MeSH D030342.

Allele frequency attached by ClinVar (database versions not stated): gnomAD exomes 0.00002 and 0.00003; ESP Exome Variant Server 0.00008; 1000 Genomes Project 0.00040; 1000 Genomes Project 30x 0.00047; gnomAD 0.00005 and 0.00004; TOPMed 0.00004; ExAC 0.00005.
gnomAD v4.1: 41 of 1,597,876 alleles (0.0026%); highest among the groups gnomAD compares: Admixed American, 0.0083%; no homozygotes.

Submissions (3):

Labcorp Genetics (formerly Invitae), Labcorp
Classification: Likely benign for Idiopathic generalized epilepsy; Hyperaldosteronism, familial, type IV. Last evaluated: 2025-11-25. Review status: criteria provided, single submitter. Criteria: Invitae Variant Classification Sherloc (09022015). Collection method: clinical testing. Allele origin: germline.

Women's Health and Genetics/Laboratory Corporation of America, LabCorp
Classification: Uncertain significance. Last evaluated: 2025-04-09. Review status: criteria provided, single submitter. Criteria: LabCorp Variant Classification Summary - May 2015. Collection method: clinical testing. Allele origin: germline.
Comment: Variant summary: CACNA1H c.3721G>A (p.Glu1241Lys) results in a conservative amino acid change in the encoded protein sequence. Four of five in-silico tools predict a benign effect of the variant on protein function. The variant allele was found at a frequency of 3e-05 in 231046 control chromosomes. The available data on variant occurrences in the general population are insufficient to allow any conclusion about variant significance. To our knowledge, no occurrence of c.3721G>A in individuals affected with Idiopathic Generalized Epilepsy and no experimental evidence demonstrating its impact on protein function have been reported. ClinVar contains an entry for this variant (Variation ID: 1373424). Based on the evidence outlined above, the variant was classified as uncertain significance.

Ambry Genetics
Classification: Uncertain significance for Inborn genetic diseases. Last evaluated: 2024-03-20. Review status: criteria provided, single submitter. Criteria: Ambry Variant Classification Scheme 2023. Collection method: clinical testing. Allele origin: germline.

NM_021098.3(CACNA1H):c.3721G>A (p.Glu1241Lys)

Gene: CACNA1H (calcium voltage-gated channel subunit alpha1 H; plus strand). Cytogenetic location: 16p13.3.
Variant type: single nucleotide variant.
Coding change: c.3721G>A on transcript NM_021098.3 (MANE Select); coding-DNA position 3721, G replaced by A.
Protein change: p.Glu1241Lys; replaces glutamic acid 1241 with lysine.
Molecular consequence: missense variant.
Genome position (GRCh38, 1-based): chr16:1,209,389, G>A. VCF-style: chr16-1209389-G-A. GRCh37 (hg19) VCF-style: chr16-1259389-G-A.
Other names: c.3721G>A (NM_021098.2); c.3721G>A, p.Glu1241Lys (NM_001005407.2); short protein forms E1241K.
Identifiers: ClinVar variation 1373424 (VCV001373424.9), dbSNP rs201993286, ClinGen allele CA7800867.